The following is an entry in ClinVar:

NM_004385.5(VCAN):c.1877A>T (p.Gln626Leu)

Gene: VCAN (versican; plus strand). Cytogenetic location: 5q14.3.
Variant type: single nucleotide variant.
Coding change: c.1877A>T on transcript NM_004385.5 (MANE Select); coding-DNA position 1877, A replaced by T.
Protein change: p.Gln626Leu; replaces glutamine 626 with leucine.
Molecular consequence: missense variant. On other transcripts: intron variant (2).
Genome position (GRCh38, 1-based): chr5:83,520,183, A>T. VCF-style: chr5-83520183-A-T. GRCh37 (hg19) VCF-style: chr5-82816002-A-T.
Other names: c.1877A>T, p.Gln626Leu (NM_001164098.2); c.1042+7787A>T (NM_001164097.2, NM_001126336.3); short protein forms Q626L.
Identifiers: ClinVar variation 4983198 (VCV004983198.1).

ClinVar aggregate classification (germline): Uncertain significance (1 of 4 stars; one submission).

Conditions:
VCAN-related disorder. Also called: VCAN-related condition.

Submission:

PreventionGenetics, part of Exact Sciences
Classification: Uncertain significance for VCAN-related condition. Last evaluated: 2025-02-18. Review status: criteria provided, single submitter. Criteria: ACMG Guidelines, 2015. Collection method: clinical testing. Allele origin: germline.
Comment: The VCAN c.1877A>T variant is predicted to result in the amino acid substitution p.Gln626Leu. To our knowledge, this variant has not been reported in the literature or in a large population database (gnomAD), indicating this variant is rare. At this time, the clinical significance of this variant is uncertain due to the absence of conclusive functional and genetic evidence.